The following is an entry in ClinVar:

NM_020937.4(FANCM):c.3656A>G (p.Asp1219Gly)

Gene: FANCM (FA complementation group M; plus strand). Cytogenetic location: 14q21.2.
Variant type: single nucleotide variant.
Coding change: c.3656A>G on transcript NM_020937.4 (MANE Select); coding-DNA position 3656, A replaced by G.
Protein change: p.Asp1219Gly; replaces aspartic acid 1219 with glycine.
Molecular consequence: missense variant.
Genome position (GRCh38, 1-based): chr14:45,176,410, A>G. VCF-style: chr14-45176410-A-G. GRCh37 (hg19) VCF-style: chr14-45645613-A-G.
Other names: c.3578A>G, p.Asp1193Gly (NM_001308133.2); short protein forms D1219G, D1193G.
Identifiers: ClinVar variation 2479156 (VCV002479156.3), dbSNP rs1888702826, ClinGen allele CA389602485.

ClinVar aggregate classification (germline): Uncertain significance (1 of 4 stars; one submission).

Conditions:
Inborn genetic diseases. Identifiers: MedGen C0950123, MeSH D030342.

Allele frequency attached by ClinVar (database versions not stated): TOPMed below 0.00001.

Submission:

Ambry Genetics
Classification: Uncertain significance for Inborn genetic diseases. Last evaluated: 2025-01-27. Review status: criteria provided, single submitter. Criteria: Ambry Variant Classification Scheme 2023. Collection method: clinical testing. Allele origin: germline.
Comment: The p.D1219G variant (also known as c.3656A>G), located in coding exon 14 of the FANCM gene, results from an A to G substitution at nucleotide position 3656. The aspartic acid at codon 1219 is replaced by glycine, an amino acid with similar properties. This amino acid position is conserved. In addition, this alteration is predicted to be tolerated by in silico analysis. Based on the available evidence, the clinical significance of this variant remains unclear.